The following is an entry in ClinVar:

NM_015114.3(ANKLE2):c.2616-4G>A

Gene: ANKLE2 (ankyrin repeat and LEM domain containing 2; minus strand). Cytogenetic location: 12q24.33.
Variant type: single nucleotide variant.
Coding change: c.2616-4G>A on transcript NM_015114.3 (MANE Select); 4 bases into the intron before coding-DNA position 2616, G replaced by A.
Molecular consequence: intron variant.
Genome position (GRCh38, 1-based): chr12:132,727,447, C>T on the plus strand (G>A on the coding strand, the complement: ANKLE2 is on the minus strand). VCF-style: chr12-132727447-C-T. GRCh37 (hg19) VCF-style: chr12-133304033-C-T.
Identifiers: ClinVar variation 2230345 (VCV002230345.2), dbSNP rs755772391, ClinGen allele CA6895140.
Genomic context (GRCh38, chr12:132,727,447, plus strand): 5'-CCACTGAGATCTGGCAGCTGAGACTTGAACCTTCCTTTCACCGCGGGACTGGGCCAACTG[C>T]GGAAAGCAAGAAAGAACTGTTAGCAGACGGGCACAGGCCCGGAGATGAACAGCAAAAGTC-3'

ClinVar aggregate classification (germline): Uncertain significance (1 of 4 stars; one submission).

Conditions:
Inborn genetic diseases. Identifiers: MedGen C0950123, MeSH D030342.

Allele frequency attached by ClinVar (database versions not stated): TOPMed 0.00001; gnomAD 0.00003; gnomAD exomes 0.00003.
gnomAD v4.1: 47 of 1,552,472 alleles (0.003%); highest among the groups gnomAD compares: Admixed American, 0.014%; no homozygotes.

Submission:

Ambry Genetics
Classification: Uncertain significance for Inborn genetic diseases. Last evaluated: 2021-04-07. Review status: criteria provided, single submitter. Criteria: Ambry Variant Classification Scheme 2023. Collection method: clinical testing. Allele origin: germline.
Comment: The c.2616-4G>A intronic alteration consists of a G to A substitution 4 nucleotides before coding exon 13 in the ANKLE2 gene. Based on insufficient or conflicting evidence, the clinical significance of this alteration remains unclear.